The following is an entry in ClinVar:

NM_000890.5(KCNJ5):c.1253C>G (p.Ser418Trp)

Gene: KCNJ5 (potassium inwardly rectifying channel subfamily J member 5; plus strand). Cytogenetic location: 11q24.3.
Variant type: single nucleotide variant.
Coding change: c.1253C>G on transcript NM_000890.5 (MANE Select); coding-DNA position 1253, C replaced by G.
Protein change: p.Ser418Trp; replaces serine 418 with tryptophan.
Molecular consequence: missense variant.
Genome position (GRCh38, 1-based): chr11:128,916,724, C>G. VCF-style: chr11-128916724-C-G. GRCh37 (hg19) VCF-style: chr11-128786619-C-G.
Other names: c.1253C>G, p.Ser418Trp (NM_001354169.2); short protein forms S418W.
Identifiers: ClinVar variation 1761243 (VCV001761243.2), dbSNP rs111867535, ClinGen allele CA383236475.

ClinVar aggregate classification (germline): Uncertain significance (1 of 4 stars; one submission).

Conditions:
Cardiovascular phenotype. Identifiers: MedGen CN230736.

gnomAD v4.1: 11 of 1,600,630 alleles (0.00069%); highest among the groups gnomAD compares: South Asian, 0.012%; no homozygotes.

Submission:

Ambry Genetics
Classification: Uncertain significance for Cardiovascular phenotype. Last evaluated: 2022-08-10. Review status: criteria provided, single submitter. Criteria: Ambry Variant Classification Scheme 2023. Collection method: clinical testing. Allele origin: germline.
Comment: The p.S418W variant (also known as c.1253C>G), located in coding exon 2 of the KCNJ5 gene, results from a C to G substitution at nucleotide position 1253. The serine at codon 418 is replaced by tryptophan, an amino acid with highly dissimilar properties. This amino acid position is not well conserved in available vertebrate species. In addition, this alteration is predicted to be tolerated by in silico analysis. Since supporting evidence is limited at this time, the clinical significance of this alteration remains unclear.